The following is an entry in ClinVar:

ClinVar aggregate classification (germline): Likely benign. Review status: criteria provided, multiple submitters, no conflicts (2 of 4 stars). 3 submissions from 3 submitters: Likely benign (2). 1 of the submissions does not count toward it. Last evaluated 2025-10-26.

Conditions:
MYH9-related disorder. Identifiers: MedGen C1854520.

Allele frequency attached by ClinVar (database versions not stated): gnomAD exomes 0.00019; ExAC 0.00021; ESP Exome Variant Server 0.00031; gnomAD 0.00038 and 0.00040; TOPMed 0.00039; 1000 Genomes Project 30x 0.00047; 1000 Genomes Project 0.00060.
gnomAD v4.1: 336 of 1,614,016 alleles (0.021%); highest among the groups gnomAD compares: African/African-American, 0.099%; no homozygotes.

Submissions (3):

Labcorp Genetics (formerly Invitae), Labcorp
Classification: Likely benign. Last evaluated: 2025-10-26. Review status: criteria provided, single submitter. Criteria: Invitae Variant Classification Sherloc (09022015). Collection method: clinical testing. Allele origin: germline.

Blueprint Genetics
Classification: Likely benign. Last evaluated: 2024-10-09. Review status: criteria provided, single submitter. Criteria: ACMG Guidelines, 2015. Collection method: clinical testing. Allele origin: germline.

PreventionGenetics, part of Exact Sciences
Classification: Likely benign for MYH9-related condition. Last evaluated: 2023-12-27. Review status: no assertion criteria provided. Collection method: clinical testing. Allele origin: germline. Not counted in ClinVar's aggregate classification.
Comment: This variant is classified as likely benign based on ACMG/AMP sequence variant interpretation guidelines (Richards et al. 2015 PMID: 25741868, with internal and published modifications).

NM_002473.6(MYH9):c.4511C>T (p.Thr1504Met)

Gene: MYH9 (myosin heavy chain 9; minus strand). Cytogenetic location: 22q12.3.
Variant type: single nucleotide variant.
Coding change: c.4511C>T on transcript NM_002473.6 (MANE Select); coding-DNA position 4511, C replaced by T.
Protein change: p.Thr1504Met; replaces threonine 1504 with methionine.
Molecular consequence: missense variant.
Genome position (GRCh38, 1-based): chr22:36,289,131, G>A on the plus strand (C>T on the coding strand, the complement: MYH9 is on the minus strand). VCF-style: chr22-36289131-G-A. GRCh37 (hg19) VCF-style: chr22-36685177-G-A.
Other names: c.4511C>T (NM_002473.5); short protein forms T1504M.
Identifiers: ClinVar variation 1653774 (VCV001653774.11), dbSNP rs150565890, ClinGen allele CA10209353.
Genomic context (GRCh38, chr22:36,289,131, plus strand): 5'-GGCCCAGGACTCACACTCTTGCCCACATCATCCTTGGAGCTCATAAGGTCCTCCATCTCC[G>A]TGCGGAACTGCTTGTTGAGCCGCTCCAGCTCCGCCTTCTGCTCCATGGCTTCCTCCAGGG-3'
Protein context (NP_002464.1, residues 1494-1514): ELERLNKQFR[Thr1504Met]EMEDLMSSKD